The following is an entry in ClinVar:

NM_006073.4(TRDN):c.931+6T>C

Genes: TRDN (triadin; minus strand), TRDN-AS1 (TRDN antisense RNA 1; plus strand). Cytogenetic location: 6q22.31.
Variant type: single nucleotide variant.
Coding change: c.931+6T>C on transcript NM_006073.4 (MANE Select); 6 bases into the intron after coding-DNA position 931, T replaced by C.
Molecular consequence: intron variant. On other transcripts: missense variant (1).
Genome position (GRCh38, 1-based): chr6:123,464,900, A>G on the plus strand (T>C on the coding strand, the complement: TRDN is on the minus strand). VCF-style: chr6-123464900-A-G. GRCh37 (hg19) VCF-style: chr6-123786045-A-G.
Other names: c.877T>C, p.Tyr293His (NM_001256020.2); c.931+6T>C (NM_001251987.2); short protein forms Y293H.
Identifiers: ClinVar variation 942646 (VCV000942646.8), dbSNP rs913713029, ClinGen allele CA147276871.
Genomic context (GRCh38, chr6:123,464,900, plus strand): 5'-GTTGCTGTTCCTCTACATTCTATTTTATCTACAATAGAGATCTTTAAGAAAAAAAAAAGT[A>G]CTTGCCTTCAAGGGCAGGTGATGCCGGAGTGGGTCTGGAAGCTTGTTCTGTCGGTAAGGG-3'

ClinVar aggregate classification (germline): Uncertain significance (1 of 4 stars; one submission).

Conditions:
Catecholaminergic polymorphic ventricular tachycardia 1. Also called: VENTRICULAR TACHYCARDIA, CATECHOLAMINERGIC POLYMORPHIC, 1, WITH OR WITHOUT ATRIAL DYSFUNCTION AND/OR DILATED CARDIOMYOPATHY; VENTRICULAR TACHYCARDIA, STRESS-INDUCED POLYMORPHIC 1; RYR2-Related Catecholaminergic Polymorphic Ventricular Tachycardia. Identifiers: Orphanet 3286, MedGen C1631597, MONDO:0011484, OMIM 604772.

Allele frequency attached by ClinVar (database versions not stated): gnomAD exomes below 0.00001; gnomAD 0.00001; TOPMed 0.00002.
gnomAD v4.1: 4 of 1,570,922 alleles (0.00025%); highest among the groups gnomAD compares: African/African-American, 0.0027%; no homozygotes.

Submission:

Labcorp Genetics (formerly Invitae), Labcorp
Classification: Uncertain significance for Catecholaminergic polymorphic ventricular tachycardia 1. Last evaluated: 2021-09-02. Review status: criteria provided, single submitter. Criteria: Invitae Variant Classification Sherloc (09022015). Collection method: clinical testing. Allele origin: germline.
Comment: This sequence change falls in intron 10 of the TRDN gene. It does not directly change the encoded amino acid sequence of the TRDN protein. It affects a nucleotide within the consensus splice site of the intron. This variant is not present in population databases (ExAC no frequency). This variant has not been reported in the literature in individuals affected with TRDN-related conditions. Variants that disrupt the consensus splice site are a relatively common cause of aberrant splicing (PMID: 17576681, 9536098). Algorithms developed to predict the effect of sequence changes on RNA splicing suggest that this variant is not likely to affect RNA splicing. In summary, the available evidence is currently insufficient to determine the role of this variant in disease. Therefore, it has been classified as a Variant of Uncertain Significance.

Literature cited by the submitters: PubMed 17576681; PubMed 9536098.